The following is an entry in ClinVar:

ClinVar aggregate classification (germline): Likely benign. Review status: criteria provided, multiple submitters, no conflicts (2 of 4 stars). 2 submissions from 2 submitters: Likely benign (2). Last evaluated 2026-01-08.

Conditions:
Pheochromocytoma/paraganglioma syndrome 5. Also called: Paragangliomas 5; SDHA-Related Hereditary Paraganglioma-Pheochromocytoma Syndrome. Identifiers: Orphanet 29072, MedGen C3279992, MONDO:0013602, OMIM 614165.
Mitochondrial complex II deficiency, nuclear type 1. Also called: SUCCINATE CoQ REDUCTASE DEFICIENCY. Identifiers: Orphanet 3208, MedGen C5700310, MONDO:0100294, OMIM 252011.

Allele frequency attached by ClinVar (database versions not stated): ExAC 0.00001; gnomAD exomes 0.00001; TOPMed 0.00002.
gnomAD v4.1: 12 of 1,613,002 alleles (0.00074%); highest among the groups gnomAD compares: Non-Finnish European, 0.001%; no homozygotes.

Submissions (2):

Labcorp Genetics (formerly Invitae), Labcorp
Classification: Likely benign for Pheochromocytoma/paraganglioma syndrome 5; Mitochondrial complex II deficiency, nuclear type 1. Last evaluated: 2026-01-08. Review status: criteria provided, single submitter. Criteria: Invitae Variant Classification Sherloc (09022015). Collection method: clinical testing. Allele origin: germline.

Myriad Genetics, Inc.
Classification: Likely benign for Pheochromocytoma/paraganglioma syndrome 5. Last evaluated: 2025-03-07. Review status: criteria provided, single submitter. Criteria: Myriad Autosomal Dominant, Autosomal Recessive and X-Linked Classification Criteria (2023). Collection method: clinical testing. Allele origin: unknown.
Comment: This variant is considered likely benign. This variant is intronic and is not expected to impact mRNA splicing.

NM_004168.4(SDHA):c.1065-16T>C

Gene: SDHA (succinate dehydrogenase complex flavoprotein subunit A; plus strand). Cytogenetic location: 5p15.33.
Variant type: single nucleotide variant.
Coding change: c.1065-16T>C on transcript NM_004168.4 (MANE Select); 16 bases into the intron before coding-DNA position 1065, T replaced by C.
Molecular consequence: intron variant.
Genome position (GRCh38, 1-based): chr5:235,128, T>C. VCF-style: chr5-235128-T-C. GRCh37 (hg19) VCF-style: chr5-235243-T-C.
Other names: c.1065-16T>C (NM_001330758.2); c.921-16T>C (NM_001294332.2).
Identifiers: ClinVar variation 1620306 (VCV001620306.9), dbSNP rs765268601, ClinGen allele CA3173106.
Genomic context (GRCh38, chr5:235,128, plus strand): 5'-CTTCCAAGATGACGTATTCTCAGGTCTCCTGCCGTTGCCGTTCTCTGCCGTATGTGATGG[T>C]GTTCTGTCTTACCAGAGGCTGTGGCCCTGAGAAAGATCACGTCTACCTGCAGCTGCACCA-3'